The following is an entry in ClinVar:

ClinVar aggregate classification (germline): Pathogenic (1 of 4 stars; one submission).

Submission:

Labcorp Genetics (formerly Invitae), Labcorp
Classification: Pathogenic. Last evaluated: 2024-01-11. Review status: criteria provided, single submitter. Criteria: Invitae Variant Classification Sherloc (09022015). Collection method: clinical testing. Allele origin: germline.
Comment: This sequence change creates a premature translational stop signal (p.Val1161Cysfs*14) in the VPS13A gene. It is expected to result in an absent or disrupted protein product. Loss-of-function variants in VPS13A are known to be pathogenic (PMID: 12404112, 21598378). This variant is not present in population databases (gnomAD no frequency). This variant has not been reported in the literature in individuals affected with VPS13A-related conditions. For these reasons, this variant has been classified as Pathogenic.

Literature cited by the submitters: PubMed 12404112; PubMed 21598378.

NM_033305.3(VPS13A):c.3480dup (p.Val1161fs)

Gene: VPS13A (vacuolar protein sorting 13 homolog A; plus strand). Cytogenetic location: 9q21.2.
Variant type: Duplication.
Coding change: c.3480dup on transcript NM_033305.3 (MANE Select); coding-DNA position 3480, one base duplicated (T; older notation c.3480dupT).
Protein change: p.Val1161fs; shifts the reading frame from valine 1161.
Molecular consequence: frameshift variant.
Genome position (GRCh38, 1-based): chr9:77,293,481, T duplicated; the last of 5 consecutive T bases (chr9:77,293,477-77,293,481); duplicating any one gives the same sequence. VCF-style (leftmost placement, unchanged base first): chr9-77293476-G-GT. GRCh37 (hg19) VCF-style: chr9-79908392-G-GT.
Other names: c.3363dup, p.Val1122fs (NM_001018037.2); c.3480dup, p.Val1161fs (NM_001018038.3, NM_015186.4); short protein forms V1161fs, V1122fs.
Identifiers: ClinVar variation 2855642 (VCV002855642.3), dbSNP rs2537885821, ClinGen allele CA2739269298.
Genomic context (GRCh38, chr9:77,293,476, plus strand): 5'-TACACAGATATGAATGTGGTTGACATTCAGGTTAATTTAATAGTTGGTTGCATTGAAGTA[G>GT]TTTTTGTCACGAAATTTCTATATTCTATATTGGTAAGTATTTTATTAAATTATTATTTAT-3'